The following is an entry in ClinVar:

NM_001851.6(COL9A1):c.2492G>A (p.Arg831Lys)

Gene: COL9A1 (collagen type IX alpha 1 chain; minus strand). Cytogenetic location: 6q13.
Variant type: single nucleotide variant.
Coding change: c.2492G>A on transcript NM_001851.6 (MANE Select); coding-DNA position 2492, G replaced by A.
Protein change: p.Arg831Lys; replaces arginine 831 with lysine.
Molecular consequence: missense variant. On other transcripts: non-coding transcript variant (1).
Genome position (GRCh38, 1-based): chr6:70,232,594, C>T on the plus strand (G>A on the coding strand, the complement: COL9A1 is on the minus strand). VCF-style: chr6-70232594-C-T. GRCh37 (hg19) VCF-style: chr6-70942297-C-T.
Other names: c.1793G>A, p.Arg598Lys (NM_001377289.1); c.1616G>A, p.Arg539Lys (NM_001377290.1); c.1763G>A, p.Arg588Lys (NM_078485.4); short protein forms R588K, R598K, R539K, R831K.
Identifiers: ClinVar variation 1477447 (VCV001477447.8), dbSNP rs764624908, ClinGen allele CA364671532.

ClinVar aggregate classification (germline): Uncertain significance (1 of 4 stars; one submission).

gnomAD v4.1: 1 of 1,613,914 alleles (0.000062%); highest among the groups gnomAD compares: Admixed American, 0.0017%; no homozygotes.

Submission:

Labcorp Genetics (formerly Invitae), Labcorp
Classification: Uncertain significance. Last evaluated: 2020-12-10. Review status: criteria provided, single submitter. Criteria: Invitae Variant Classification Sherloc (09022015). Collection method: clinical testing. Allele origin: germline.
Comment: In summary, the available evidence is currently insufficient to determine the role of this variant in disease. Therefore, it has been classified as a Variant of Uncertain Significance. Algorithms developed to predict the effect of sequence changes on RNA splicing suggest that this variant may create or strengthen a splice site, but this prediction has not been confirmed by published transcriptional studies. Advanced modeling of protein sequence and biophysical properties (such as structural, functional, and spatial information, amino acid conservation, physicochemical variation, residue mobility, and thermodynamic stability) performed at Invitae indicates that this missense variant is not expected to disrupt COL9A1 protein function. This variant has not been reported in the literature in individuals with COL9A1-related conditions. This variant is not present in population databases (ExAC no frequency). This sequence change replaces arginine with lysine at codon 831 of the COL9A1 protein (p.Arg831Lys). The arginine residue is moderately conserved and there is a small physicochemical difference between arginine and lysine.